The following is an entry in ClinVar:

NM_000552.5(VWF):c.1446C>G (p.Ile482Met)

Gene: VWF (von Willebrand factor; minus strand). Cytogenetic location: 12p13.31.
Variant type: single nucleotide variant.
Coding change: c.1446C>G on transcript NM_000552.5 (MANE Select); coding-DNA position 1446, C replaced by G.
Protein change: p.Ile482Met; replaces isoleucine 482 with methionine.
Molecular consequence: missense variant.
Genome position (GRCh38, 1-based): chr12:6,063,041, G>C on the plus strand (C>G on the coding strand, the complement: VWF is on the minus strand). VCF-style: chr12-6063041-G-C. GRCh37 (hg19) VCF-style: chr12-6172207-G-C.
Other names: c.1446C>G (NM_000552.4); short protein forms I482M.
Identifiers: ClinVar variation 1208352 (VCV001208352.12), dbSNP rs569669757, ClinGen allele CA6403398.

ClinVar aggregate classification (germline): Uncertain significance. Review status: criteria provided, multiple submitters, no conflicts (2 of 4 stars). 7 submissions from 7 submitters: Uncertain significance (7). Last evaluated 2025-09-24.

Conditions:
von Willebrand disease type 1 (VWD1). Also called: VON WILLEBRAND DISEASE, TYPE I; VWD, TYPE 1. Identifiers: Orphanet 166078, Orphanet 903, MedGen C1264039, MONDO:0008668, OMIM 193400. Inheritance: autosomal recessive or autosomal dominant.
von Willebrand disease type 3 (VWD3). Also called: Type 3 Von Willebrand's disease; Type 3 VWD; Von Willebrand disease, severe form; V WD3; VON WILLEBRAND DISEASE, TYPE III. Identifiers: Orphanet 166096, MedGen C1264041, MONDO:0010191, OMIM 277480.
von Willebrand disease type 2 (VWD2). Also called: VON WILLEBRAND DISEASE, TYPE II; VWD, TYPE 2; VON WILLEBRAND DISEASE, TYPE 2A/IIE; VON WILLEBRAND DISEASE, TYPE 2CB. Identifiers: Orphanet 166081, Orphanet 903, MedGen C1264040, MONDO:0013304, OMIM 613554.

Allele frequency attached by ClinVar (database versions not stated): ExAC 0.00013; 1000 Genomes Project 30x 0.00016; 1000 Genomes Project 0.00020; gnomAD exomes 0.00020; gnomAD 0.00023; TOPMed 0.00023.

Submissions (7):

Dasa
Classification: Uncertain significance. Last evaluated: 2025-09-24. Review status: criteria provided, single submitter. Criteria: DASA Assertion Criteria. Collection method: clinical testing. Allele origin: germline.
Comment: NM_000552.5(VWF):c.1446C>G (p.Ile482Met) is a missense variant that results in the substitution of isoleucine with methionine. This variant has been recurrently observed in individuals with VWF-related disorders (PMID: 29924855; PMID: 28971901). Also, this variant is rare in population databases. The currently available literature and clinical evidence are not sufficient to establish a definitive association between this variant and the reported condition. Therefore, this variant is classified as a variant of uncertain significance.

Quest Diagnostics Nichols Institute San Juan Capistrano
Classification: Uncertain significance. Last evaluated: 2025-06-03. Review status: criteria provided, single submitter. Criteria: Quest Diagnostics criteria. Collection method: clinical testing. Allele origin: unknown.
Comment: The VWF c.1446C>G (p.Ile482Met) variant has been reported in the published literature in individuals with type 1H von Willebrand disease (VWD) (PMID: 28971901 (2017), 29924855 (2018)). It has also been reported along with other VWF variants in individuals with Type 2M (PMID: 26988807 (2016)) and Type 2A von Willebrand disease (VWD) (PMID: 28971901 (2017)). The frequency of this variant in the general population (Genome Aggregation Database) is uninformative in the assessment of its pathogenicity. Analysis of this variant using bioinformatics tools for the prediction of the effect of amino acid changes on protein structure and function yielded predictions that this variant is damaging. Based on the available information, we are unable to determine the clinical significance of this variant.

Women's Health and Genetics/Laboratory Corporation of America, LabCorp
Classification: Uncertain significance. Last evaluated: 2025-01-23. Review status: criteria provided, single submitter. Criteria: LabCorp Variant Classification Summary - May 2015. Collection method: clinical testing. Allele origin: germline.
Comment: Variant summary: VWF c.1446C>G (p.Ile482Met) results in a conservative amino acid change located in the VWFD domain (IPR001846) of the encoded protein sequence. Three of five in-silico tools predict a damaging effect of the variant on protein function. The variant allele was found at a frequency of 0.0002 in 250002 control chromosomes. This frequency is not significantly higher than estimated for a pathogenic variant in VWF causing Von Willebrand Disease, allowing no conclusion about variant significance. c.1446C>G has been reported in the literature at a compound heterozygous state along with second missense variants in several individuals affected with Von Willebrand Disease without strong evidence for causality (Fidalgo_2016, Stefanucci_2023), and in at-least one family, the variant did not co-segregate with disease (Borras_2017). These report(s) do not provide unequivocal conclusions about association of the variant with Von Willebrand Disease. To our knowledge, no experimental evidence demonstrating an impact on protein function has been reported. The following publications have been ascertained in the context of this evaluation (PMID: 28971901, 26988807, 37647632). ClinVar contains an entry for this variant (Variation ID: 1208352). Based on the evidence outlined above, the variant was classified as uncertain significance.

Blueprint Genetics
Classification: Uncertain significance. Last evaluated: 2024-10-02. Review status: criteria provided, single submitter. Criteria: ACMG Guidelines, 2015. Collection method: clinical testing. Allele origin: germline.

Fulgent Genetics
Classification: Uncertain significance for von Willebrand disease type 1; von Willebrand disease type 3; von Willebrand disease type 2. Last evaluated: 2024-02-20. Review status: criteria provided, single submitter. Criteria: ACMG Guidelines, 2015. Collection method: clinical testing. Allele origin: germline.

Department of Pathology and Laboratory Medicine, Sinai Health System
Classification: Uncertain significance for von Willebrand disease type 1; von Willebrand disease type 3; von Willebrand disease type 2. Last evaluated: 2022-09-01. Review status: criteria provided, single submitter. Criteria: ACMG Guidelines, 2015. Collection method: research. Allele origin: germline.

GeneDx
Classification: Uncertain significance. Last evaluated: 2021-05-27. Review status: criteria provided, single submitter. Criteria: GeneDx Variant Classification Process June 2021. Collection method: clinical testing. Allele origin: germline. Affected: yes.
Comment: Observed with the p.H1419Q variant and other variants in the VWF gene in patients with von Willebrand disease type 2M or type 2A in the published literature, but it is not known whether the variants occurred on the same (in cis) or on different (in trans) chromosomes in both cases (Fidalgo et al., 2016; Borras et al., 2017); Observed in the heterozygous state in two patients with von Willebrand disease type 1H in the published literature (Borras et al., 2017); In silico analysis supports that this missense variant does not alter protein structure/function; This variant is associated with the following publications: (PMID: 26988807, 28971901)

Literature cited by the submitters: PubMed 29924855 (cited by Dasa and Quest Diagnostics Nichols Institute San Juan Capistrano); PubMed 28971901 (cited by 3 submitters); PubMed 37647632 (cited by Quest Diagnostics Nichols Institute San Juan Capistrano and Women's Health and Genetics/Laboratory Corporation of America, LabCorp); PubMed 26988807 (cited by Quest Diagnostics Nichols Institute San Juan Capistrano and Women's Health and Genetics/Laboratory Corporation of America, LabCorp); PubMed 34426522 (cited by Quest Diagnostics Nichols Institute San Juan Capistrano).